The following is an entry in ClinVar:

ClinVar aggregate classification (germline): Uncertain significance (1 of 4 stars; one submission).

Conditions:
Heterotopia, periventricular, X-linked dominant (PVNH1). Also called: PERIVENTRICULAR NODULAR HETEROTOPIA 1; X-linked periventricular heterotopia; PERIVENTRICULAR NODULAR HETEROTOPIA 4; HETEROTOPIA, PERIVENTRICULAR, 1. Identifiers: Orphanet 2149, Orphanet 82004, MedGen C1848213, MONDO:0010233, OMIM 300049.
Melnick-Needles syndrome (MNS). Also called: MELNICK-NEEDLES OSTEODYSPLASTY; OSTEODYSPLASTY OF MELNICK AND NEEDLES; Melnick-Needles Syndrome (FLNA-MNS). Identifiers: Orphanet 2484, MedGen C0025237, MONDO:0010650, OMIM 309350.
Frontometaphyseal dysplasia (FMD1). Identifiers: Orphanet 1826, MedGen C0265293, MONDO:0015942.
Oto-palato-digital syndrome, type II (OPD2). Also called: FACIOPALATOOSSEOUS SYNDROME; OPD II SYNDROME; Otopalatodigital Syndrome Type 2 (FLNA-OPD2); Otopalatodigital Syndrome, Type II. Identifiers: Orphanet 669, Orphanet 90652, MedGen C1844696, MONDO:0010571, OMIM 304120.

Submission:

Labcorp Genetics (formerly Invitae), Labcorp
Classification: Uncertain significance for Oto-palato-digital syndrome, type II; Heterotopia, periventricular, X-linked dominant; Frontometaphyseal dysplasia; Melnick-Needles syndrome. Last evaluated: 2025-10-08. Review status: criteria provided, single submitter. Criteria: Invitae Variant Classification Sherloc (09022015). Collection method: clinical testing. Allele origin: germline.
Comment: This sequence change replaces alanine, which is neutral and non-polar, with valine, which is neutral and non-polar, at codon 1160 of the FLNA protein (p.Ala1160Val). This variant is not present in population databases (gnomAD no frequency). This variant has not been reported in the literature in individuals affected with FLNA-related conditions. Invitae Evidence Modeling of protein sequence and biophysical properties (such as structural, functional, and spatial information, amino acid conservation, physicochemical variation, residue mobility, and thermodynamic stability) indicates that this missense variant is not expected to disrupt FLNA protein function with a negative predictive value of 95%. In summary, the available evidence is currently insufficient to determine the role of this variant in disease. Therefore, it has been classified as a Variant of Uncertain Significance.

NM_001110556.2(FLNA):c.3479C>T (p.Ala1160Val)

Gene: FLNA (filamin A; minus strand). Cytogenetic location: Xq28.
Variant type: single nucleotide variant.
Coding change: c.3479C>T on transcript NM_001110556.2 (MANE Select); coding-DNA position 3479, C replaced by T.
Protein change: p.Ala1160Val; replaces alanine 1160 with valine.
Molecular consequence: missense variant.
Genome position (GRCh38, 1-based): chrX:154,360,316, G>A on the plus strand (C>T on the coding strand, the complement: FLNA is on the minus strand). VCF-style: chrX-154360316-G-A. GRCh37 (hg19) VCF-style: chrX-153588684-G-A.
Other names: c.3479C>T, p.Ala1160Val (NM_001456.4); short protein forms A1160V.
Identifiers: ClinVar variation 4792462 (VCV004792462.1).
Genomic context (GRCh38, chrX:154,360,316, plus strand): 5'-TGGCCCACCTCCCCAGCGGTGGCCCGCTCCAGCCCGGGGCCTGAGCACTTGACTTTGGAT[G>A]CGTCAAAGCAGGGAACCACGTGGGCCTTGAATGGGGAGCCAGGGATGTGGGTGTCAGCGA-3'
Protein context (NP_001104026.1, residues 1150-1170): FKAHVVPCFD[Ala1160Val]SKVKCSGPGL